The following is an entry in ClinVar:

NM_032536.4(NTNG2):c.1314C>G (p.Cys438Trp)

Gene: NTNG2 (netrin G2; plus strand). Cytogenetic location: 9q34.13.
Variant type: single nucleotide variant.
Coding change: c.1314C>G on transcript NM_032536.4 (MANE Select); coding-DNA position 1314, C replaced by G.
Protein change: p.Cys438Trp; replaces cysteine 438 with tryptophan.
Molecular consequence: missense variant.
Genome position (GRCh38, 1-based): chr9:132,241,001, C>G. VCF-style: chr9-132241001-C-G. GRCh37 (hg19) VCF-style: chr9-135116388-C-G.
Other names: short protein forms C438W.
Identifiers: ClinVar variation 3767512 (VCV003767512.1).

ClinVar aggregate classification (germline): Uncertain significance (1 of 4 stars; one submission).

gnomAD v4.1: 1 of 1,609,510 alleles (0.000062%); highest among the groups gnomAD compares: Non-Finnish European, 0.000085%; no homozygotes.

Submission:

GeneDx
Classification: Uncertain significance. Last evaluated: 2024-09-08. Review status: criteria provided, single submitter. Criteria: GeneDx Variant Classification Process June 2021. Collection method: clinical testing. Allele origin: germline. Affected: yes.
Comment: Not observed at significant frequency in large population cohorts (gnomAD); In silico analysis supports that this missense variant has a deleterious effect on protein structure/function; Has not been previously published as pathogenic or benign to our knowledge